The following is an entry in ClinVar:

ClinVar aggregate classification (germline): Uncertain significance (1 of 4 stars; one submission).

Conditions:
Familial hemophagocytic lymphohistiocytosis 3 (FHL3). Also called: UNC13D-Related Familial Hemophagocytic Lymphohistiocytosis (UNC13D-fHLH). Identifiers: Orphanet 540, MedGen C1837174, MONDO:0012146, OMIM 608898.

Allele frequency attached by ClinVar (database versions not stated): gnomAD 0.00001.
gnomAD v4.1: 1 of 1,613,646 alleles (0.000062%); highest among the groups gnomAD compares: African/African-American, 0.0013%; no homozygotes.

Submission:

Labcorp Genetics (formerly Invitae), Labcorp
Classification: Uncertain significance for Familial hemophagocytic lymphohistiocytosis 3. Last evaluated: 2022-07-05. Review status: criteria provided, single submitter. Criteria: Invitae Variant Classification Sherloc (09022015). Collection method: clinical testing. Allele origin: germline.
Comment: This sequence change replaces leucine, which is neutral and non-polar, with valine, which is neutral and non-polar, at codon 428 of the UNC13D protein (p.Leu428Val). In summary, the available evidence is currently insufficient to determine the role of this variant in disease. Therefore, it has been classified as a Variant of Uncertain Significance. Algorithms developed to predict the effect of missense changes on protein structure and function are either unavailable or do not agree on the potential impact of this missense change (SIFT: "Not Available"; PolyPhen-2: "Probably Damaging"; Align-GVGD: "Not Available"). ClinVar contains an entry for this variant (Variation ID: 1491041). This variant has not been reported in the literature in individuals affected with UNC13D-related conditions. This variant is not present in population databases (gnomAD no frequency).

NM_199242.3(UNC13D):c.1282C>G (p.Leu428Val)

Gene: UNC13D (unc-13 homolog D; minus strand). Cytogenetic location: 17q25.1.
Variant type: single nucleotide variant.
Coding change: c.1282C>G on transcript NM_199242.3 (MANE Select); coding-DNA position 1282, C replaced by G.
Protein change: p.Leu428Val; replaces leucine 428 with valine.
Molecular consequence: missense variant.
Genome position (GRCh38, 1-based): chr17:75,836,588, G>C on the plus strand (C>G on the coding strand, the complement: UNC13D is on the minus strand). VCF-style: chr17-75836588-G-C. GRCh37 (hg19) VCF-style: chr17-73832669-G-C.
Other names: short protein forms L428V.
Identifiers: ClinVar variation 1491041 (VCV001491041.8), dbSNP rs2064910555, ClinGen allele CA401100400.